The following is an entry in ClinVar:

NM_000069.3(CACNA1S):c.3822C>T (p.Ile1274=)

Gene: CACNA1S (calcium voltage-gated channel subunit alpha1 S; minus strand). Cytogenetic location: 1q32.1.
Variant type: single nucleotide variant.
Coding change: c.3822C>T on transcript NM_000069.3 (MANE Select); coding-DNA position 3822, C replaced by T.
Protein change: p.Ile1274=; no amino-acid change (isoleucine 1274 retained).
Molecular consequence: synonymous variant.
Genome position (GRCh38, 1-based): chr1:201,053,248, G>A on the plus strand (C>T on the coding strand, the complement: CACNA1S is on the minus strand). VCF-style: chr1-201053248-G-A. GRCh37 (hg19) VCF-style: chr1-201022376-G-A.
Other names: p.Ile1274=.
Identifiers: ClinVar variation 254831 (VCV000254831.23), dbSNP rs56183942, ClinGen allele CA082866.

ClinVar aggregate classification (germline): Benign/Likely benign. Review status: criteria provided, multiple submitters, no conflicts (2 of 4 stars). 14 submissions from 11 submitters: Benign (13); Likely benign (1). Last evaluated 2026-02-04.

Conditions:
Congenital myopathy 18. Also called: Myopathy, congenital, due to dihydropyridine receptor defect; DIHYDROPYRIDINE RECEPTOR CONGENITAL MYOPATHY; DHPR CONGENITAL MYOPATHY. Identifiers: MedGen C5830283, MONDO:0859514, OMIM 620246.
Hypokalemic periodic paralysis, type 1. Also called: Hypokalemic Periodic Paralysis Type 1 (AD); HypoPP. Identifiers: Orphanet 681, MedGen C3714580, MONDO:0042979, OMIM 170400.
Malignant hyperthermia, susceptibility to, 5 (MHS5). Also called: CACNA1S-Related Malignant Hyperthermia Susceptibility. Identifiers: Orphanet 423, MedGen C1866077, MONDO:0011163, OMIM 601887.
Thyrotoxic periodic paralysis, susceptibility to, 1 (TTPP1). Identifiers: Orphanet 79102, MedGen C2749982, MONDO:0008570, OMIM 188580.

Allele frequency attached by ClinVar (database versions not stated): 1000 Genomes Project 0.05331; ESP Exome Variant Server 0.01422; gnomAD 0.01893 and 0.02178; gnomAD exomes 0.02020 and 0.03699; TOPMed 0.02615; ExAC 0.03452; 1000 Genomes Project 30x 0.04981.
gnomAD v4.1: 33,198 of 1,614,218 alleles (2.1%); highest among the groups gnomAD compares: East Asian, 17%; 1,084 homozygotes.

Submissions (14):

Labcorp Genetics (formerly Invitae), Labcorp
Classification: Benign for Hypokalemic periodic paralysis, type 1; Malignant hyperthermia, susceptibility to, 5. Last evaluated: 2026-02-04. Review status: criteria provided, single submitter. Criteria: Invitae Variant Classification Sherloc (09022015). Collection method: clinical testing. Allele origin: germline.

Blueprint Genetics
Classification: Likely benign. Last evaluated: 2024-11-26. Review status: criteria provided, single submitter. Criteria: ACMG Guidelines, 2015. Collection method: clinical testing. Allele origin: germline.

All of Us Research Program, National Institutes of Health
Classification: Benign for Malignant hyperthermia, susceptibility to, 5. Last evaluated: 2024-02-05. Review status: criteria provided, single submitter. Criteria: ACMG Guidelines, 2015. Collection method: clinical testing. Allele origin: germline. Inheritance: Autosomal dominant inheritance. Observed: 4,732 variant alleles, 4,586 heterozygotes, 146 homozygotes.
Comment: This study involves interpretation of variants in research participants for the purpose of population health screening. Participant phenotype was not available at the time of variant classification. Additional details can be found in publication PMID: 35346344, PMCID: PMC8962531

Genome-Nilou Lab
Classification: Benign for Congenital myopathy 18. Last evaluated: 2023-04-11. Review status: criteria provided, single submitter. Criteria: ACMG Guidelines, 2015. Collection method: clinical testing. Allele origin: germline. Affected: no.

Genome-Nilou Lab
Classification: Benign for Hypokalemic periodic paralysis, type 1. Last evaluated: 2023-04-11. Review status: criteria provided, single submitter. Criteria: ACMG Guidelines, 2015. Collection method: clinical testing. Allele origin: germline. Affected: no.

Genome-Nilou Lab
Classification: Benign for Malignant hyperthermia, susceptibility to, 5. Last evaluated: 2023-04-11. Review status: criteria provided, single submitter. Criteria: ACMG Guidelines, 2015. Collection method: clinical testing. Allele origin: germline. Affected: no.

Genome-Nilou Lab
Classification: Benign for Thyrotoxic periodic paralysis, susceptibility to, 1. Last evaluated: 2023-04-11. Review status: criteria provided, single submitter. Criteria: ACMG Guidelines, 2015. Collection method: clinical testing. Allele origin: germline. Affected: no.

Color Diagnostics, LLC DBA Color Health
Classification: Benign for Malignant hyperthermia, susceptibility to, 5. Last evaluated: 2019-03-28. Review status: criteria provided, single submitter. Criteria: ACMG Guidelines, 2015. Collection method: clinical testing. Allele origin: germline.

Illumina Laboratory Services, Illumina
Classification: Benign for Hypokalemic periodic paralysis, type 1. Last evaluated: 2018-01-13. Review status: criteria provided, single submitter. Criteria: ICSL Variant Classification Criteria 13 December 2019. Collection method: clinical testing. Allele origin: germline.
Comment: This variant was observed in the ICSL laboratory as part of a predisposition screen in an ostensibly healthy population. It had not been previously curated by ICSL or reported in the Human Gene Mutation Database (HGMD: prior to June 1st, 2018), and was therefore a candidate for classification through an automated scoring system. Utilizing variant allele frequency, disease prevalence and penetrance estimates, and inheritance mode, an automated score was calculated to assess if this variant is too frequent to cause the disease. Based on the score and internal cut-off values, a variant classified as benign is not then subjected to further curation. The score for this variant resulted in a classification of benign for this disease.

Athena Diagnostics
Classification: Benign. Last evaluated: 2017-10-30. Review status: criteria provided, single submitter. Criteria: Athena Diagnostics Criteria. Collection method: clinical testing. Allele origin: germline.

Mayo Clinic Laboratories, Mayo Clinic
Classification: Benign. Last evaluated: 2017-08-24. Review status: criteria provided, single submitter. Criteria: ACMG Guidelines, 2015. Collection method: clinical testing. Allele origin: germline. Observed: 28 variant alleles.

GeneDx
Classification: Benign. Last evaluated: 2016-03-18. Review status: criteria provided, single submitter. Criteria: GeneDx Variant Classification (06012015). Collection method: clinical testing. Allele origin: germline. Affected: yes.
Comment: This variant is considered likely benign or benign based on one or more of the following criteria: it is a conservative change, it occurs at a poorly conserved position in the protein, it is predicted to be benign by multiple in silico algorithms, and/or has population frequency not consistent with disease.

Breakthrough Genomics
Classification: Benign. Review status: criteria provided, single submitter. Criteria: ACMG Guidelines, 2015. Collection method: not provided. Allele origin: germline. Inheritance: Autosomal dominant inheritance. Affected: yes.

PreventionGenetics, part of Exact Sciences
Classification: Benign. Review status: criteria provided, single submitter. Criteria: ACMG Guidelines, 2015. Collection method: clinical testing. Allele origin: germline.